The following is an entry in ClinVar:

NM_006259.3(PRKG2):c.1059A>G (p.Glu353=)

Gene: PRKG2 (protein kinase cGMP-dependent 2; minus strand). Cytogenetic location: 4q21.21.
Variant type: single nucleotide variant.
Coding change: c.1059A>G on transcript NM_006259.3 (MANE Select); coding-DNA position 1059, A replaced by G.
Protein change: p.Glu353=; no amino-acid change (glutamic acid 353 retained).
Molecular consequence: synonymous variant. On other transcripts: 5 prime UTR variant (4).
Genome position (GRCh38, 1-based): chr4:81,151,986, T>C on the plus strand (A>G on the coding strand, the complement: PRKG2 is on the minus strand). VCF-style: chr4-81151986-T-C. GRCh37 (hg19) VCF-style: chr4-82073140-T-C.
Other names: c.-202A>G (NM_001282480.1, NM_001282481.1, NM_001282482.1); c.-359A>G (NM_001282483.1); c.1059A>G, p.Glu353= (NM_001282485.2, NM_001363401.2).
Identifiers: ClinVar variation 3034773 (VCV003034773.2), dbSNP rs139565161, ClinGen allele CA2983788.
Genomic context (GRCh38, chr4:81,151,986, plus strand): 5'-TATCCAAAGTATGGCATATAATTCATGAATTCACCTGATAAGAGCTTTTTCTCCAAAGTA[T>C]TCTCCTTTCTGCAGTGTTTTTATCAGCTGTGGTTGATCATGGCCTTCTGTGCTCTGTGTT-3'
Protein context (NP_006250.1, residues 343-363): PQLIKTLQKG[Glu353=]YFGEKALISD

ClinVar aggregate classification (germline): Benign (0 of 4 stars; one submission).

Conditions:
PRKG2-related disorder. Also called: PRKG2-related condition.

Allele frequency attached by ClinVar (database versions not stated): gnomAD exomes 0.00021; ExAC 0.00078; gnomAD 0.00215; 1000 Genomes Project 30x 0.00219; 1000 Genomes Project 0.00220; TOPMed 0.00233; ESP Exome Variant Server 0.00384.
gnomAD v4.1: 626 of 1,612,834 alleles (0.039%); highest among the groups gnomAD compares: African/African-American, 0.79%; 3 homozygotes.

Submission:

PreventionGenetics, part of Exact Sciences
Classification: Benign for PRKG2-related condition. Last evaluated: 2019-08-12. Review status: no assertion criteria provided. Collection method: clinical testing. Allele origin: germline.
Comment: This variant is classified as benign based on ACMG/AMP sequence variant interpretation guidelines (Richards et al. 2015 PMID: 25741868, with internal and published modifications).